The following is an entry in ClinVar:

ClinVar aggregate classification (germline): Uncertain significance (1 of 4 stars; one submission).

Submission:

Labcorp Genetics (formerly Invitae), Labcorp
Classification: Uncertain significance. Last evaluated: 2026-01-05. Review status: criteria provided, single submitter. Criteria: Invitae Variant Classification Sherloc (09022015). Collection method: clinical testing. Allele origin: germline.
Comment: This variant, c.1181_1201del, results in the deletion of 7 amino acid(s) of the GPR179 protein (p.Ala394_Leu400del), but otherwise preserves the integrity of the reading frame. This variant is not present in population databases (gnomAD no frequency). This variant has not been reported in the literature in individuals affected with GPR179-related conditions. ClinVar contains an entry for this variant (Variation ID: 2017345). Experimental studies and prediction algorithms are not available or were not evaluated, and the functional significance of this variant is currently unknown. In summary, the available evidence is currently insufficient to determine the role of this variant in disease. Therefore, it has been classified as a Variant of Uncertain Significance.

NM_001004334.4(GPR179):c.1181_1201del (p.Ala394_Leu400del)

Gene: GPR179 (G protein-coupled receptor 179; minus strand). Cytogenetic location: 17q12.
Variant type: Deletion.
Coding change: c.1181_1201del on transcript NM_001004334.4 (MANE Select); coding-DNA positions 1181 to 1201, 21 bases deleted (CCATCTTCCTGAGCATGCTGG).
Protein change: p.Ala394_Leu400del.
Molecular consequence: inframe deletion.
Genome position (GRCh38, 1-based): chr17:38,337,004-38,337,024, CCAGCATGCTCAGGAAGATGG deleted on the plus strand (CCATCTTCCTGAGCATGCTGG on the coding strand, the reverse complement: GPR179 is on the minus strand); deleting any 21 consecutive bases within chr17:38,337,004-38,337,033 gives the same sequence; the c. name uses the placement nearest the transcript's 3' end. VCF-style (leftmost placement, unchanged base first): chr17-38337003-ACCAGCATGCTCAGGAAGATGG-A. GRCh37 (hg19) VCF-style: chr17-36492886-ACCAGCATGCTCAGGAAGATGG-A.
Identifiers: ClinVar variation 2017345 (VCV002017345.4), dbSNP rs781206881, ClinGen allele CA2580093614.